The following is an entry in ClinVar:

ClinVar aggregate classification (germline): Pathogenic (1 of 4 stars; one submission).

Submission:

GeneDx
Classification: Pathogenic. Last evaluated: 2024-12-18. Review status: criteria provided, single submitter. Criteria: GeneDx Variant Classification Process June 2021. Collection method: clinical testing. Allele origin: germline. Affected: yes.
Comment: Nonsense variant predicted to result in protein truncation or nonsense mediated decay in a gene for which loss of function is a known mechanism of disease; Not observed at significant frequency in large population cohorts (gnomAD); Has not been previously published as pathogenic or benign to our knowledge

NM_015570.4(AUTS2):c.1196T>A (p.Leu399Ter)

Gene: AUTS2 (activator of transcription and developmental regulator AUTS2; plus strand). Cytogenetic location: 7q11.22.
Variant type: single nucleotide variant.
Coding change: c.1196T>A on transcript NM_015570.4 (MANE Select); coding-DNA position 1196, T replaced by A.
Protein change: p.Leu399Ter; replaces leucine 399 with a stop codon.
Molecular consequence: nonsense.
Genome position (GRCh38, 1-based): chr7:70,763,323, T>A. VCF-style: chr7-70763323-T-A. GRCh37 (hg19) VCF-style: chr7-70228309-T-A.
Other names: c.1196T>A, p.Leu399Ter (NM_001127231.3); short protein forms L399*.
Identifiers: ClinVar variation 3906485 (VCV003906485.1).